The following is an entry in ClinVar:

ClinVar aggregate classification (germline): Uncertain significance. Review status: criteria provided, multiple submitters, no conflicts (2 of 4 stars). 2 submissions from 2 submitters: Uncertain significance (2). Last evaluated 2025-07-20.

Conditions:
Type 2 diabetes mellitus. Also called: Type II diabetes mellitus. Identifiers: MedGen C0011860, MeSH D003924, MONDO:0005148, OMIM 125853, HP:0005978.
Leucine-induced hypoglycemia (LIH). Also called: LEUCINE-SENSITIVE HYPOGLYCEMIA OF INFANCY. Identifiers: MedGen C0271714, MONDO:0009415, OMIM 240800.
Diabetes mellitus, permanent neonatal 3. Also called: ABCC8-Related Permanent Neonatal Diabetes Mellitus. Identifiers: MedGen C5394303, MONDO:0030088, OMIM 618857.
Diabetes mellitus, transient neonatal, 2 (TNDM2). Identifiers: Orphanet 99886, MedGen C1835887, MONDO:0012480, OMIM 610374. Disease mechanism: loss of function.
Hyperinsulinemic hypoglycemia, familial, 1 (HHF1). Also called: NESIDIOBLASTOSIS OF PANCREAS; Persistent hyperinsulinemic hypoglycemia of infancy; HYPERINSULINISM, FAMILIAL, WITH PANCREATIC NESIDIOBLASTOSIS; HYPOGLYCEMIA, HYPERINSULINEMIC, OF INFANCY; Persistent Hyperinsulinemia Hypoglycemia of Infancy. Identifiers: Orphanet 276575, Orphanet 276598, MedGen C2931832, MONDO:0009734, OMIM 256450.

gnomAD v4.1: 1 of 1,613,970 alleles (0.000062%); highest among the groups gnomAD compares: African/African-American, 0.0013%; no homozygotes.

Submissions (2):

GeneDx
Classification: Uncertain significance. Last evaluated: 2025-07-20. Review status: criteria provided, single submitter. Criteria: GeneDx Variant Classification Process June 2021. Collection method: clinical testing. Allele origin: germline. Affected: yes.
Comment: In silico analysis suggests that this missense variant does not alter protein structure/function; Has not been previously published as pathogenic or benign to our knowledge

Fulgent Genetics
Classification: Uncertain significance for Type 2 diabetes mellitus; Leucine-induced hypoglycemia; Hyperinsulinemic hypoglycemia, familial, 1; Diabetes mellitus, transient neonatal, 2; Diabetes mellitus, permanent neonatal 3. Last evaluated: 2024-01-31. Review status: criteria provided, single submitter. Criteria: ACMG Guidelines, 2015. Collection method: clinical testing. Allele origin: germline.

NM_000352.6(ABCC8):c.1343G>C (p.Gly448Ala)

Gene: ABCC8 (ATP binding cassette subfamily C member 8; minus strand). Cytogenetic location: 11p15.1.
Variant type: single nucleotide variant.
Coding change: c.1343G>C on transcript NM_000352.6 (MANE Select); coding-DNA position 1343, G replaced by C.
Protein change: p.Gly448Ala; replaces glycine 448 with alanine.
Molecular consequence: missense variant. On other transcripts: non-coding transcript variant (1).
Genome position (GRCh38, 1-based): chr11:17,443,302, C>G on the plus strand (G>C on the coding strand, the complement: ABCC8 is on the minus strand). VCF-style: chr11-17443302-C-G. GRCh37 (hg19) VCF-style: chr11-17464849-C-G.
Other names: c.1343G>C, p.Gly448Ala (NM_001287174.3, NM_001351295.2); c.1340G>C, p.Gly447Ala (NM_001351296.2, NM_001351297.2); c.1343G>C (NM_000352.3); short protein forms G448A, G447A.
Identifiers: ClinVar variation 3599397 (VCV003599397.2).
Genomic context (GRCh38, chr11:17,443,302, plus strand): 5'-ATGATGACAGCTGCTCCAATTAAGGCACTGACTCCGAGTATGTAGTAGAGGAGAATCACA[C>G]CCACAATGATCTGAGGAAGGGGTCATGGGTCAGGTCCCTTTGACCTGATGGTTGCCCTGC-3'
Protein context (NP_000343.2, residues 438-458): LWAMPVQIIV[Gly448Ala]VILLYYILGV